The following is an entry in ClinVar:

NM_007294.4(BRCA1):c.69G>A (p.Glu23=)

Gene: BRCA1 (BRCA1 DNA repair associated; minus strand). Cytogenetic location: 17q21.31.
Variant type: single nucleotide variant.
Coding change: c.69G>A on transcript NM_007294.4 (MANE Select); coding-DNA position 69, G replaced by A.
Protein change: p.Glu23=; no amino-acid change (glutamic acid 23 retained).
Molecular consequence: synonymous variant. On other transcripts: 5 prime UTR variant (136), intron variant (36).
Genome position (GRCh38, 1-based): chr17:43,124,028, C>T on the plus strand (G>A on the coding strand, the complement: BRCA1 is on the minus strand). VCF-style: chr17-43124028-C-T. GRCh37 (hg19) VCF-style: chr17-41276045-C-T.
Other names: c.-120G>A (NM_001407571.1, NM_001407853.1, NM_001407879.1 and 46 more transcripts); c.69G>A, p.Glu23= (NM_001407581.1, NM_001407582.1, NM_001407583.1 and 193 more transcripts); c.-189G>A (NM_001407694.1, NM_001407724.1, NM_001407727.1 and 11 more transcripts); c.-193G>A (NM_001407695.1, NM_001408465.1); c.-334G>A (NM_001407696.1); c.-218G>A (NM_001407697.1, NM_001407846.1, NM_001407920.1); c.-19G>A (NM_001407698.1, NM_001407732.1, NM_001407736.1 and 23 more transcripts); c.-192G>A (NM_001407725.1, NM_001407730.1, NM_001407734.1 and 22 more transcripts); and 23 more.
Identifiers: ClinVar variation 381467 (VCV000381467.20), dbSNP rs766004110, ClinGen allele CA059450.
Genomic context (GRCh38, chr17:43,124,028, plus strand): 5'-GGAGATAATCATAGGAATCCCAAATTAATACACTCTTGTGCTGACTTACCAGATGGGACA[C>T]TCTAAGATTTTCTGCATAGCATTAATGACATTTTGTACTTCTTCAACGCGAAGAGCAGAT-3'
Protein context (NP_009225.1, residues 13-33): NVINAMQKIL[Glu23=]CPICLELIKE

ClinVar aggregate classification (germline): Likely benign. Review status: reviewed by expert panel (3 of 4 stars). 4 submissions from 4 submitters: Likely benign (1). 3 of the submissions do not count toward it. Last evaluated 2017-06-29.

Conditions:
Breast-ovarian cancer, familial, susceptibility to, 1 (BROVCA1). Also called: BRCA1 Hereditary Breast and Ovarian Cancer; OVARIAN CANCER, SUSCEPTIBILITY TO. Identifiers: Orphanet 145, MedGen C2676676, MONDO:0011450, OMIM 604370. Disease mechanism: loss of function.
Hereditary cancer-predisposing syndrome. Also called: Neoplastic Syndromes, Hereditary; Hereditary neoplastic syndrome; Hereditary Cancer Syndrome; Tumor predisposition. Identifiers: Orphanet 140162, MedGen C0027672, MeSH D009386, MONDO:0015356.
Hereditary breast ovarian cancer syndrome. Also called: Hereditary breast and ovarian cancer syndrome; Breast and ovarian cancer; Hereditary breast and ovarian cancer syndrome (HBOC); Hereditary breast and/or ovarian cancer syndrome; BRCA1- and BRCA2-Associated Hereditary Breast and Ovarian Cancer; Hereditary breast and ovarian cancer. Identifiers: Orphanet 145, MedGen C0677776, MeSH D061325, MONDO:0003582. Disease mechanism: loss of function.

Allele frequency attached by ClinVar (database versions not stated): gnomAD below 0.00001 and 0.00001; gnomAD exomes below 0.00001 and 0.00001; ExAC 0.00001; TOPMed 0.00001.
gnomAD v4.1: 2 of 1,612,198 alleles (0.00012%); highest among the groups gnomAD compares: South Asian, 0.0022%; no homozygotes.

Submissions (5):

Evidence-based Network for the Interpretation of Germline Mutant Alleles (ENIGMA)
Classification: Likely benign for Breast-ovarian cancer, familial, susceptibility to, 1. Last evaluated: 2017-06-29. Review status: reviewed by expert panel. Criteria: ENIGMA BRCA1/2 Classification Criteria (2017-06-29). Collection method: curation. Allele origin: germline.
Comment: Synonymous substitution variant, with low bioinformatic likelihood to result in a splicing aberration (Splicing prior probability 0.02).

Labcorp Genetics (formerly Invitae), Labcorp
Classification: Likely benign for Hereditary breast ovarian cancer syndrome. Last evaluated: 2025-08-11. Review status: criteria provided, single submitter. Criteria: Invitae Variant Classification Sherloc (09022015). Collection method: clinical testing. Allele origin: germline. Not counted in ClinVar's aggregate classification.

Ambry Genetics
Classification: Likely benign for Hereditary cancer-predisposing syndrome. Last evaluated: 2018-03-06. Review status: criteria provided, single submitter. Criteria: Ambry Variant Classification Scheme 2023. Collection method: clinical testing. Allele origin: germline. Not counted in ClinVar's aggregate classification.

GeneDx
Classification: Likely benign. Last evaluated: 2017-10-24. Review status: criteria provided, single submitter. Criteria: GeneDx Variant Classification (06012015). Collection method: clinical testing. Allele origin: germline. Affected: yes. Not counted in ClinVar's aggregate classification.
Comment: This variant is considered likely benign or benign based on one or more of the following criteria: it is a conservative change, it occurs at a poorly conserved position in the protein, it is predicted to be benign by multiple in silico algorithms, and/or has population frequency not consistent with disease.

Brotman Baty Institute, University of Washington
No classification provided (evidence only). Condition: Breast-ovarian cancer, familial 1. Review status: no classification provided. Collection method: in vitro. Allele origin: not applicable. Functional consequence: functionally_normal. Not counted in ClinVar's aggregate classification.
ClinVar note: "not provided" was previously submitted as the classification for the variant. However, the classification appeared to be based only on an observation of functional data so it was converted to no classification on 2025-07-30.